The following is an entry in ClinVar:

ClinVar aggregate classification (germline): Pathogenic. Review status: reviewed by expert panel (3 of 4 stars). 8 submissions from 8 submitters: Pathogenic (1). 7 of the submissions do not count toward it. Last evaluated 2016-09-08.

Conditions:
Hereditary breast ovarian cancer syndrome. Also called: Hereditary breast and ovarian cancer syndrome; Hereditary breast and ovarian cancer; Hereditary breast and ovarian cancer syndrome (HBOC); Breast and ovarian cancer; Hereditary breast and/or ovarian cancer syndrome; BRCA1- and BRCA2-Associated Hereditary Breast and Ovarian Cancer. Identifiers: Orphanet 145, MedGen C0677776, MeSH D061325, MONDO:0003582. Disease mechanism: loss of function.
Breast-ovarian cancer, familial, susceptibility to, 2 (BROVCA2). Also called: BRCA2 Hereditary Breast and Ovarian Cancer. Identifiers: Orphanet 145, MedGen C2675520, MONDO:0012933, OMIM 612555. Disease mechanism: loss of function.
Hereditary cancer-predisposing syndrome. Also called: Neoplastic Syndromes, Hereditary; Tumor predisposition; Hereditary Cancer Syndrome; Hereditary neoplastic syndrome. Identifiers: Orphanet 140162, MedGen C0027672, MeSH D009386, MONDO:0015356.

Submissions (8):

Evidence-based Network for the Interpretation of Germline Mutant Alleles (ENIGMA)
Classification: Pathogenic for Breast-ovarian cancer, familial, susceptibility to, 2. Last evaluated: 2016-09-08. Review status: reviewed by expert panel. Criteria: ENIGMA BRCA1/2 Classification Criteria (2015). Collection method: curation. Allele origin: germline.
Comment: Variant allele predicted to encode a truncated non-functional protein.

Labcorp Genetics (formerly Invitae), Labcorp
Classification: Pathogenic for Hereditary breast ovarian cancer syndrome. Last evaluated: 2025-07-08. Review status: criteria provided, single submitter. Criteria: Invitae Variant Classification Sherloc (09022015). Collection method: clinical testing. Allele origin: germline. Not counted in ClinVar's aggregate classification.
Comment: This sequence change creates a premature translational stop signal (p.Gln66*) in the BRCA2 gene. It is expected to result in an absent or disrupted protein product. Loss-of-function variants in BRCA2 are known to be pathogenic (PMID: 20104584). This variant is not present in population databases (gnomAD no frequency). This premature translational stop signal has been observed in individual(s) with or at high risk of breast cancer (PMID: 22217648, 28724667, 29446198). ClinVar contains an entry for this variant (Variation ID: 51233). For these reasons, this variant has been classified as Pathogenic.

Color Diagnostics, LLC DBA Color Health
Classification: Pathogenic for Hereditary cancer-predisposing syndrome. Last evaluated: 2024-08-12. Review status: criteria provided, single submitter. Criteria: ACMG Guidelines, 2015. Collection method: clinical testing. Allele origin: germline. Not counted in ClinVar's aggregate classification.
Comment: This variant changes 1 nucleotide in exon 3 of the BRCA2 gene, creating a premature translation stop signal. This variant is expected to result in an absent or non-functional protein product. This variant has been reported in at least two individuals affected with breast cancer and five suspected hereditary breast and ovarian cancer families (PMID: 22217648, 28724667, 29446198, 30720863), and it has also been detected in a breast cancer case-control meta-analysis in 4/60466 cases and 4/53461 unaffected individuals (PMID: 33471991; Leiden Open Variation Database DB-ID BRCA2_003236). This variant has not been identified in the general population by the Genome Aggregation Database (gnomAD). Loss of BRCA2 function is a known mechanism of disease. Based on the available evidence, this variant is classified as Pathogenic.

GeneDx
Classification: Pathogenic. Last evaluated: 2023-09-14. Review status: criteria provided, single submitter. Criteria: GeneDx Variant Classification Process June 2021. Collection method: clinical testing. Allele origin: germline. Affected: yes. Not counted in ClinVar's aggregate classification.
Comment: Nonsense variant predicted to result in protein truncation or nonsense mediated decay in a gene for which loss of function is a known mechanism of disease; Observed in individuals with BRCA2-related cancers (Sun et al., 2017; Deng et al., 2019); Not observed at significant frequency in large population cohorts (gnomAD); Truncating variants in this gene are considered pathogenic by a well-established clinical consortium and/or database; Also known as 424C>T; This variant is associated with the following publications: (PMID: 30720863, 28724667, 32377563, 22217648, 29446198, 30702160, 31825140, 28152038, 29339979)

Ambry Genetics
Classification: Pathogenic for Hereditary cancer-predisposing syndrome. Last evaluated: 2022-12-13. Review status: criteria provided, single submitter. Criteria: Ambry Variant Classification Scheme 2023. Collection method: clinical testing. Allele origin: germline. Not counted in ClinVar's aggregate classification.
Comment: The p.Q66* pathogenic mutation (also known as c.196C>T), located in coding exon 2 of the BRCA2 gene, results from a C to T substitution at nucleotide position 196. This changes the amino acid from a glutamine to a stop codon within coding exon 2. This pathogenic variant has been identified in numerous individuals with hereditary breast and ovarian cancer (HBOC) syndrome (Jang JH et al. J. Hum. Genet. 2012 Mar;57(3):212-5; Sun J et al. Clin. Cancer Res. 2017 Oct;23:6113-6119; Rebbeck TR et al. Hum. Mutat. 2018 05;39:593-620; Bhaskaran SP et al. Int. J. Cancer. 2019 08;145:962-973; Deng M et al. Int. J. Cancer. 2019 Sep;145:1517-1528). In addition to the clinical data presented in the literature, this alteration is expected to result in loss of function by premature protein truncation or nonsense-mediated mRNA decay. As such, this alteration is interpreted as a disease-causing mutation.

Quest Diagnostics Nichols Institute San Juan Capistrano
Classification: Pathogenic. Last evaluated: 2018-06-07. Review status: criteria provided, single submitter. Criteria: Quest Diagnostics criteria. Collection method: clinical testing. Allele origin: germline. Not counted in ClinVar's aggregate classification.

Consortium of Investigators of Modifiers of BRCA1/2 (CIMBA), c/o University of Cambridge
Classification: Pathogenic for Breast-ovarian cancer, familial, susceptibility to, 2. Last evaluated: 2015-10-02. Review status: criteria provided, single submitter. Criteria: CIMBA Mutation Classification guidelines May 2016. Collection method: clinical testing. Allele origin: germline. Not counted in ClinVar's aggregate classification.

Department of Medical Genetics, Oslo University Hospital
Classification: Pathogenic for Breast-ovarian cancer, familial, susceptibility to, 2. Last evaluated: 2015-07-01. Review status: criteria provided, single submitter. Criteria: ACMG Guidelines, 2015. Collection method: clinical testing. Allele origin: germline. Affected: yes. Observed: 2 variant alleles. Not counted in ClinVar's aggregate classification.

Literature cited by the submitters: PubMed 20104584 (cited by Labcorp Genetics (formerly Invitae), Labcorp); PubMed 22217648 (cited by 3 submitters); PubMed 28724667 (cited by 3 submitters); PubMed 29446198 (cited by 3 submitters); PubMed 30720863 (cited by Color Diagnostics, LLC DBA Color Health and Ambry Genetics); PubMed 33471991 (cited by Color Diagnostics, LLC DBA Color Health); PubMed 30702160 (cited by Ambry Genetics).

NM_000059.4(BRCA2):c.196C>T (p.Gln66Ter)

Gene: BRCA2 (BRCA2 DNA repair associated; plus strand). Cytogenetic location: 13q13.1.
Variant type: single nucleotide variant.
Coding change: c.196C>T on transcript NM_000059.4 (MANE Select); coding-DNA position 196, C replaced by T.
Protein change: p.Gln66Ter; replaces glutamine 66 with a stop codon.
Molecular consequence: nonsense.
Genome position (GRCh38, 1-based): chr13:32,319,205, C>T. VCF-style: chr13-32319205-C-T. GRCh37 (hg19) VCF-style: chr13-32893342-C-T.
Other names: short protein forms Q66*.
Identifiers: ClinVar variation 51233 (VCV000051233.20), dbSNP rs397507617, ClinGen allele CA014053.